The following is an entry in ClinVar:

NM_032043.3(BRIP1):c.930C>G (p.Cys310Trp)

Gene: BRIP1 (BRCA1 interacting DNA helicase 1; minus strand). Cytogenetic location: 17q23.2.
Variant type: single nucleotide variant.
Coding change: c.930C>G on transcript NM_032043.3 (MANE Select); coding-DNA position 930, C replaced by G.
Protein change: p.Cys310Trp; replaces cysteine 310 with tryptophan.
Molecular consequence: missense variant.
Genome position (GRCh38, 1-based): chr17:61,801,463, G>C on the plus strand (C>G on the coding strand, the complement: BRIP1 is on the minus strand). VCF-style: chr17-61801463-G-C. GRCh37 (hg19) VCF-style: chr17-59878824-G-C.
Other names: short protein forms C310W.
Identifiers: ClinVar variation 1766519 (VCV001766519.3), dbSNP rs2145342515, ClinGen allele CA400484305.

ClinVar aggregate classification (germline): Uncertain significance (1 of 4 stars; one submission).

Conditions:
Hereditary cancer-predisposing syndrome. Also called: Hereditary Cancer Syndrome; Hereditary neoplastic syndrome; Neoplastic Syndromes, Hereditary; Tumor predisposition. Identifiers: Orphanet 140162, MedGen C0027672, MeSH D009386, MONDO:0015356.

Submission:

Ambry Genetics
Classification: Uncertain significance for Hereditary cancer-predisposing syndrome. Last evaluated: 2025-06-01. Review status: criteria provided, single submitter. Criteria: Ambry Variant Classification Scheme 2023. Collection method: clinical testing. Allele origin: germline.
Comment: The p.C310W variant (also known as c.930C>G), located in coding exon 7 of the BRIP1 gene, results from a C to G substitution at nucleotide position 930. The cysteine at codon 310 is replaced by tryptophan, an amino acid with highly dissimilar properties. This amino acid position is highly conserved in available vertebrate species. In addition, this alteration is predicted to be deleterious by in silico analysis. Since supporting evidence is limited at this time, the clinical significance of this alteration remains unclear.